The following is an entry in ClinVar:

NM_020877.5(DNAH2):c.1272G>A (p.Leu424=)

Gene: DNAH2 (dynein axonemal heavy chain 2; plus strand). Cytogenetic location: 17p13.1.
Variant type: single nucleotide variant.
Coding change: c.1272G>A on transcript NM_020877.5 (MANE Select); coding-DNA position 1272, G replaced by A.
Protein change: p.Leu424=; no amino-acid change (leucine 424 retained).
Molecular consequence: synonymous variant.
Genome position (GRCh38, 1-based): chr17:7,739,834, G>A. VCF-style: chr17-7739834-G-A. GRCh37 (hg19) VCF-style: chr17-7643152-G-A.
Other names: c.1518G>A, p.Leu506= (NM_001303270.2).
Identifiers: ClinVar variation 769428 (VCV000769428.7), dbSNP rs142747431, ClinGen allele CA8356093.

ClinVar aggregate classification (germline): Benign/Likely benign. Review status: criteria provided, multiple submitters, no conflicts (2 of 4 stars). 4 submissions from 4 submitters: Benign (2); Likely benign (1). 1 of the submissions does not count toward it. Last evaluated 2024-11-13.

Conditions:
DNAH2-related disorder. Also called: DNAH2-related condition.

Allele frequency attached by ClinVar (database versions not stated): gnomAD exomes 0.00122 and 0.00197; ExAC 0.00216; 1000 Genomes Project 0.00319; 1000 Genomes Project 30x 0.00359; gnomAD 0.00455 and 0.00496; TOPMed 0.00595; ESP Exome Variant Server 0.00607.
gnomAD v4.1: 2,571 of 1,613,986 alleles (0.16%); highest among the groups gnomAD compares: African/African-American, 1.5%; 8 homozygotes.

Submissions (4):

Blueprint Genetics
Classification: Likely benign. Last evaluated: 2024-11-13. Review status: criteria provided, single submitter. Criteria: ACMG Guidelines, 2015. Collection method: clinical testing. Allele origin: germline.

Labcorp Genetics (formerly Invitae), Labcorp
Classification: Benign. Last evaluated: 2018-03-02. Review status: criteria provided, single submitter. Criteria: Invitae Variant Classification Sherloc (09022015). Collection method: clinical testing. Allele origin: germline.

Breakthrough Genomics
Classification: Benign. Review status: criteria provided, single submitter. Criteria: ACMG Guidelines, 2015. Collection method: not provided. Allele origin: germline. Inheritance: Autosomal recessive inheritance. Affected: yes.

PreventionGenetics, part of Exact Sciences
Classification: Likely benign for DNAH2-related condition. Last evaluated: 2024-05-16. Review status: no assertion criteria provided. Collection method: clinical testing. Allele origin: germline. Not counted in ClinVar's aggregate classification.
Comment: This variant is classified as likely benign based on ACMG/AMP sequence variant interpretation guidelines (Richards et al. 2015 PMID: 25741868, with internal and published modifications).